The following is an entry in ClinVar:

NM_033305.3(VPS13A):c.7129T>C (p.Cys2377Arg)

Gene: VPS13A (vacuolar protein sorting 13 homolog A; plus strand). Cytogenetic location: 9q21.2.
Variant type: single nucleotide variant.
Coding change: c.7129T>C on transcript NM_033305.3 (MANE Select); coding-DNA position 7129, T replaced by C.
Protein change: p.Cys2377Arg; replaces cysteine 2377 with arginine.
Molecular consequence: missense variant.
Genome position (GRCh38, 1-based): chr9:77,344,255, T>C. VCF-style: chr9-77344255-T-C. GRCh37 (hg19) VCF-style: chr9-79959171-T-C.
Other names: c.7129T>C (NM_033305.2); c.7012T>C, p.Cys2338Arg (NM_001018037.2); c.7129T>C, p.Cys2377Arg (NM_001018038.3, NM_015186.4); short protein forms C2338R, C2377R.
Identifiers: ClinVar variation 989591 (VCV000989591.3), dbSNP rs1438436648, ClinGen allele CA373853079.

ClinVar aggregate classification (germline): Uncertain significance. Review status: criteria provided, multiple submitters, no conflicts (2 of 4 stars). 3 submissions from 3 submitters: Uncertain significance (2). 1 of the submissions does not count toward it. Last evaluated 2025-02-01.

Conditions:
Inborn genetic diseases. Identifiers: MedGen C0950123, MeSH D030342.
VPS13A-related neurodegenerative disease. Also called: VPS13A Disease; Choreaacanthocytosis; Chorea-acanthocytosis; LEVINE-CRITCHLEY SYNDROME; Choreoacanthocytosis; ACANTHOCYTOSIS WITH NEUROLOGIC DISORDER. Identifiers: Orphanet 2388, MedGen C0393576, MONDO:0008695, OMIM 200150.

Allele frequency attached by ClinVar (database versions not stated): gnomAD 0.00001; TOPMed 0.00001.
gnomAD v4.1: 2 of 1,613,410 alleles (0.00012%); highest among the groups gnomAD compares: Non-Finnish European, 0.000085%; no homozygotes.

Submissions (3):

Ambry Genetics
Classification: Uncertain significance for Inborn genetic diseases. Last evaluated: 2025-02-01. Review status: criteria provided, single submitter. Criteria: Ambry Variant Classification Scheme 2023. Collection method: clinical testing. Allele origin: germline.

GeneDx
Classification: Uncertain significance. Last evaluated: 2024-04-22. Review status: criteria provided, single submitter. Criteria: GeneDx Variant Classification Process June 2021. Collection method: clinical testing. Allele origin: germline. Affected: yes.
Comment: Not observed at significant frequency in large population cohorts (gnomAD); In silico analysis supports that this missense variant has a deleterious effect on protein structure/function; Has not been previously published as pathogenic or benign to our knowledge

Natera, Inc.
Classification: Uncertain significance for Choreaacanthocytosis. Last evaluated: 2020-08-13. Review status: no assertion criteria provided. Collection method: clinical testing. Allele origin: germline. Not counted in ClinVar's aggregate classification.